The following is an entry in ClinVar:

ClinVar aggregate classification (germline): Uncertain significance (1 of 4 stars; one submission).

Conditions:
Hyperaldosteronism, familial, type IV (HALD4). Also called: FH IV; ALDOSTERONISM, PRIMARY, AND HYPERTENSION. Identifiers: Orphanet 642671, MedGen C4310756, MONDO:0014875, OMIM 617027.
Idiopathic generalized epilepsy. Also called: Generalised epilepsy; EIG. Identifiers: MedGen C0270850, MONDO:0005579, OMIM 600669.

Allele frequency attached by ClinVar (database versions not stated): gnomAD exomes below 0.00001 and 0.00002; ExAC 0.00001; TOPMed 0.00001.

Submission:

Labcorp Genetics (formerly Invitae), Labcorp
Classification: Uncertain significance for Idiopathic generalized epilepsy; Hyperaldosteronism, familial, type IV. Last evaluated: 2024-04-27. Review status: criteria provided, single submitter. Criteria: Invitae Variant Classification Sherloc (09022015). Collection method: clinical testing. Allele origin: germline.
Comment: This sequence change replaces phenylalanine, which is neutral and non-polar, with serine, which is neutral and polar, at codon 1677 of the CACNA1H protein (p.Phe1677Ser). This variant is present in population databases (rs759088401, gnomAD 0.02%). This variant has not been reported in the literature in individuals affected with CACNA1H-related conditions. ClinVar contains an entry for this variant (Variation ID: 1504936). Advanced modeling of protein sequence and biophysical properties (such as structural, functional, and spatial information, amino acid conservation, physicochemical variation, residue mobility, and thermodynamic stability) performed at Invitae indicates that this missense variant is expected to disrupt CACNA1H protein function with a positive predictive value of 80%. In summary, the available evidence is currently insufficient to determine the role of this variant in disease. Therefore, it has been classified as a Variant of Uncertain Significance.

NM_021098.3(CACNA1H):c.5030T>C (p.Phe1677Ser)

Gene: CACNA1H (calcium voltage-gated channel subunit alpha1 H; plus strand). Cytogenetic location: 16p13.3.
Variant type: single nucleotide variant.
Coding change: c.5030T>C on transcript NM_021098.3 (MANE Select); coding-DNA position 5030, T replaced by C.
Protein change: p.Phe1677Ser; replaces phenylalanine 1677 with serine.
Molecular consequence: missense variant.
Genome position (GRCh38, 1-based): chr16:1,215,072, T>C. VCF-style: chr16-1215072-T-C. GRCh37 (hg19) VCF-style: chr16-1265072-T-C.
Other names: c.5012T>C, p.Phe1671Ser (NM_001005407.2); short protein forms F1671S, F1677S.
Identifiers: ClinVar variation 1504936 (VCV001504936.8), dbSNP rs759088401, ClinGen allele CA7801738.
Genomic context (GRCh38, chr16:1,215,072, plus strand): 5'-CCATCGTGTTTGTCTTCGAGGCTGCACTGAAGCTGGTAGCATTTGGGTTCCGTCGGTTCT[T>C]CAAGGACAGGTGTGTGTGGTGGGGCCGTCTTGGGTTCTGGGGGCCCCTCAGGGCTCTGGG-3'
Protein context (NP_066921.2, residues 1667-1687): KLVAFGFRRF[Phe1677Ser]KDRWNQLDLA